The following is an entry in ClinVar:

ClinVar aggregate classification (germline): Uncertain significance (1 of 4 stars; one submission).

Conditions:
Frasier syndrome. Identifiers: Orphanet 347, MedGen C0950122, MeSH D052159, MONDO:0007635, OMIM 136680.
Drash syndrome (DDS). Also called: WILMS TUMOR AND PSEUDO- OR TRUE HERMAPHRODITISM; NEPHROPATHY, WILMS TUMOR, AND GENITAL ANOMALIES. Identifiers: Orphanet 220, MedGen C0950121, MONDO:0008682, OMIM 194080.
Wilms tumor 1 (WT1). Also called: Wilms tumor, somatic. Identifiers: Orphanet 654, MedGen CN033288, MONDO:0008679, OMIM 194070.
11p partial monosomy syndrome (WAGR). Also called: WAGR syndrome; CHROMOSOME 11p13 DELETION SYNDROME; WAGR Complex; WAGR Spectrum Disorder. Identifiers: Orphanet 893, MedGen C0206115, MONDO:0008681, OMIM 194072.

Submission:

Labcorp Genetics (formerly Invitae), Labcorp
Classification: Uncertain significance for Wilms tumor 1; Drash syndrome; 11p partial monosomy syndrome; Frasier syndrome. Last evaluated: 2021-03-02. Review status: criteria provided, single submitter. Criteria: Invitae Variant Classification Sherloc (09022015). Collection method: clinical testing. Allele origin: germline.
Comment: This sequence change replaces threonine with alanine at codon 346 of the WT1 protein (p.Thr346Ala). The threonine residue is moderately conserved and there is a small physicochemical difference between threonine and alanine. This variant is not present in population databases (ExAC no frequency). This variant has not been reported in the literature in individuals with WT1-related conditions. Algorithms developed to predict the effect of missense changes on protein structure and function output the following: SIFT: "Tolerated"; PolyPhen-2: "Benign"; Align-GVGD: "Class C0". The alanine amino acid residue is found in multiple mammalian species, suggesting that this missense change does not adversely affect protein function. These predictions have not been confirmed by published functional studies and their clinical significance is uncertain. In summary, the available evidence is currently insufficient to determine the role of this variant in disease. Therefore, it has been classified as a Variant of Uncertain Significance.

NM_024426.6(WT1):c.1051A>G (p.Thr351Ala)

Gene: WT1 (WT1 transcription factor; minus strand). Cytogenetic location: 11p13.
Variant type: single nucleotide variant.
Coding change: c.1051A>G on transcript NM_024426.6 (MANE Select); coding-DNA position 1051, A replaced by G.
Protein change: p.Thr351Ala; replaces threonine 351 with alanine.
Molecular consequence: missense variant. On other transcripts: 5 prime UTR variant (1), non-coding transcript variant (1).
Genome position (GRCh38, 1-based): chr11:32,400,010, T>C on the plus strand (A>G on the coding strand, the complement: WT1 is on the minus strand). VCF-style: chr11-32400010-T-C. GRCh37 (hg19) VCF-style: chr11-32421556-T-C.
Other names: c.1000A>G, p.Thr334Ala (NM_000378.6, NM_001407045.1, NM_001407048.1 and 1 more transcripts); c.400A>G, p.Thr134Ala (NM_001198551.2); c.349A>G, p.Thr117Ala (NM_001198552.2); c.-138A>G (NM_001367854.1); c.1045A>G, p.Thr349Ala (NM_001407044.1); c.1051A>G, p.Thr351Ala (NM_001407046.1, NM_024424.5); c.928A>G, p.Thr310Ala (NM_001407047.1); c.877A>G, p.Thr293Ala (NM_001407050.1); and 2 more; short protein forms T117A, T134A, T334A, T351A, T310A, T97A, T293A, T329A.
Identifiers: ClinVar variation 1484943 (VCV001484943.9), dbSNP rs2132958406, ClinGen allele CA379960440.